The following is an entry in ClinVar:

NM_004092.4(ECHS1):c.538A>G (p.Thr180Ala)

Gene: ECHS1 (enoyl-CoA hydratase, short chain 1; minus strand). Cytogenetic location: 10q26.3.
Variant type: single nucleotide variant.
Coding change: c.538A>G on transcript NM_004092.4 (MANE Select); coding-DNA position 538, A replaced by G.
Protein change: p.Thr180Ala; replaces threonine 180 with alanine.
Molecular consequence: missense variant.
Genome position (GRCh38, 1-based): chr10:133,366,970, T>C on the plus strand (A>G on the coding strand, the complement: ECHS1 is on the minus strand). VCF-style: chr10-133366970-T-C. GRCh37 (hg19) VCF-style: chr10-135180474-T-C.
Other names: short protein forms T180A.
Identifiers: ClinVar variation 691284 (VCV000691284.23), dbSNP rs557128093, ClinGen allele CA5765729.

ClinVar aggregate classification (germline): Pathogenic/Likely pathogenic. Review status: criteria provided, multiple submitters, no conflicts (2 of 4 stars). 10 submissions from 10 submitters: Pathogenic (6); Likely pathogenic (2). 2 of the submissions do not count toward it. Last evaluated 2026-08-01.

Conditions:
ECHS1-related disorders.
Mitochondrial short-chain Enoyl-Coa hydratase 1 deficiency. Also called: Mitochondrial Short-Chain Enoyl-CoA Hydratase Deficiency; PxMD-ECHS1; ECHS1 deficiency. Identifiers: Orphanet 255241, Orphanet 653880, MedGen C4225391, MONDO:0014563, OMIM 616277.

Allele frequency attached by ClinVar (database versions not stated): gnomAD 0.00004; gnomAD exomes 0.00004; ExAC 0.00005; TOPMed 0.00005; 1000 Genomes Project 30x 0.00016; 1000 Genomes Project 0.00020.
gnomAD v4.1: 120 of 1,612,412 alleles (0.0074%); highest among the groups gnomAD compares: Non-Finnish European, 0.0094%; no homozygotes.

Submissions (10):

CeGaT Center for Human Genetics Tuebingen
Classification: Pathogenic. Last evaluated: 2026-08-01. Review status: criteria provided, single submitter. Criteria: CeGaT Center For Human Genetics Tuebingen Variant Classification Criteria Version 2. Collection method: clinical testing. Allele origin: germline. Affected: yes. Observed: 1 variant allele.
Comment: ECHS1: PM3:Very Strong, PP1:Strong, PM2

Labcorp Genetics (formerly Invitae), Labcorp
Classification: Pathogenic. Last evaluated: 2024-10-15. Review status: criteria provided, single submitter. Criteria: Invitae Variant Classification Sherloc (09022015). Collection method: clinical testing. Allele origin: germline.
Comment: This sequence change replaces threonine, which is neutral and polar, with alanine, which is neutral and non-polar, at codon 180 of the ECHS1 protein (p.Thr180Ala). This variant is present in population databases (rs557128093, gnomAD 0.01%). This missense change has been observed in individual(s) with mitochondrial short-chain enoyl-CoA hydratase 1 deficiency (PMID: 26099313). In at least one individual the data is consistent with being in trans (on the opposite chromosome) from a pathogenic variant. It has also been observed to segregate with disease in related individuals. ClinVar contains an entry for this variant (Variation ID: 691284). Invitae Evidence Modeling of protein sequence and biophysical properties (such as structural, functional, and spatial information, amino acid conservation, physicochemical variation, residue mobility, and thermodynamic stability) indicates that this missense variant is not expected to disrupt ECHS1 protein function with a negative predictive value of 80%. For these reasons, this variant has been classified as Pathogenic.

Blueprint Genetics
Classification: Pathogenic for ECHS1-related disorders. Last evaluated: 2024-10-04. Review status: criteria provided, single submitter. Criteria: ACMG Guidelines, 2015. Collection method: clinical testing. Allele origin: germline. Affected: yes. Observed: 5 variant alleles.

GeneDx
Classification: Pathogenic. Last evaluated: 2022-10-13. Review status: criteria provided, single submitter. Criteria: GeneDx Variant Classification Process June 2021. Collection method: clinical testing. Allele origin: germline. Affected: yes.
Comment: Not observed at a significant frequency in large population cohorts (gnomAD); In silico analysis supports that this missense variant has a deleterious effect on protein structure/function; This variant is associated with the following publications: (PMID: 29923089, 31219693, 26920905, 29575569, 32800686, 26099313, 30848071, 29882869, 32313153, 28202214, 28409271, 26839416, 33586140, 32013919, 31944285)

Elsea Laboratory, Baylor College of Medicine
Classification: Pathogenic for Mitochondrial short-chain Enoyl-Coa hydratase 1 deficiency. Last evaluated: 2020-04-01. Review status: criteria provided, single submitter. Criteria: ACMG Guidelines, 2015. Collection method: clinical testing. Allele origin: maternal. Affected: yes.

Baylor Genetics
Classification: Pathogenic for Mitochondrial short-chain Enoyl-Coa hydratase 1 deficiency. Last evaluated: 2020-03-28. Review status: criteria provided, single submitter. Criteria: ACMG Guidelines, 2015. Collection method: clinical testing. Allele origin: unknown. Affected: yes.
Comment: This variant was determined to be pathogenic according to ACMG Guidelines, 2015 [PMID:25741868].

Revvity Omics, Revvity
Classification: Likely pathogenic for Mitochondrial short-chain Enoyl-Coa hydratase 1 deficiency. Last evaluated: 2019-12-24. Review status: criteria provided, single submitter. Criteria: ACMG Guidelines, 2015. Collection method: clinical testing. Allele origin: germline.

Kids Research, The Children's Hospital at Westmead
Classification: Likely pathogenic for Mitochondrial short-chain Enoyl-Coa hydratase 1 deficiency. Review status: criteria provided, single submitter. Criteria: ACMG Guidelines, 2015. Collection method: research. Allele origin: inherited. Inheritance: Autosomal recessive inheritance. Affected: yes.

OMIM
Classification: Pathogenic for MITOCHONDRIAL SHORT-CHAIN ENOYL-CoA HYDRATASE 1 DEFICIENCY. Last evaluated: 2021-08-12. Review status: no assertion criteria provided. Collection method: literature only. Allele origin: germline. Not counted in ClinVar's aggregate classification.

GeneReviews
No classification provided. Condition: Mitochondrial short-chain Enoyl-Coa hydratase 1 deficiency. Review status: no classification provided. Collection method: literature only. Allele origin: germline. Not counted in ClinVar's aggregate classification.

Literature cited by the submitters: PubMed 26099313 (cited by Labcorp Genetics (formerly Invitae), Labcorp and OMIM); PubMed 32313153 (cited by Kids Research, The Children's Hospital at Westmead); PubMed 29575569 (cited by OMIM); NCBI Bookshelf NBK542806 (cited by GeneReviews); PubMed 31219693 (cited by GeneReviews).